The following is an entry in ClinVar:

NM_002334.4(LRP4):c.4517G>A (p.Arg1506Gln)

Genes: LRP4-AS1 (LRP4 antisense RNA 1; plus strand), LRP4 (LDL receptor related protein 4; minus strand). Cytogenetic location: 11p11.2.
Variant type: single nucleotide variant.
Coding change: c.4517G>A on transcript NM_002334.4 (MANE Select); coding-DNA position 4517, G replaced by A.
Protein change: p.Arg1506Gln; replaces arginine 1506 with glutamine.
Molecular consequence: missense variant. On other transcripts: non-coding transcript variant (1).
Genome position (GRCh38, 1-based): chr11:46,873,166, C>T on the plus strand (G>A on the coding strand, the complement: LRP4 is on the minus strand). VCF-style: chr11-46873166-C-T. GRCh37 (hg19) VCF-style: chr11-46894717-C-T.
Other names: short protein forms R1506Q.
Identifiers: ClinVar variation 71253 (VCV000071253.5), dbSNP rs142300637, ClinGen allele CA5969312.

ClinVar aggregate classification (germline): Uncertain significance (1 of 4 stars; one submission).

Conditions:
Cenani-Lenz syndactyly syndrome. Also called: CENANI SYNDACTYLISM; SYNDACTYLY, TYPE VII. Identifiers: Orphanet 3258, MedGen C1859309, MONDO:0008931, OMIM 212780.
Congenital myasthenic syndrome 17. Identifiers: Orphanet 590, MedGen C4225377, MONDO:0014578, OMIM 616304.
Sclerosteosis 2 (SOST2). Identifiers: Orphanet 3152, MedGen C3280402, MONDO:0013679, OMIM 614305.

Allele frequency attached by ClinVar (database versions not stated): ExAC 0.00002; gnomAD exomes 0.00001 and 0.00002; gnomAD 0.00003; TOPMed 0.00003; ESP Exome Variant Server 0.00008.
gnomAD v4.1: 38 of 1,614,076 alleles (0.0024%); highest among the groups gnomAD compares: African/African-American, 0.0053%; no homozygotes.

Submission:

Labcorp Genetics (formerly Invitae), Labcorp
Classification: Uncertain significance for Cenani-Lenz syndactyly syndrome; Sclerosteosis 2; Congenital myasthenic syndrome 17. Last evaluated: 2025-10-22. Review status: criteria provided, single submitter. Criteria: Invitae Variant Classification Sherloc (09022015). Collection method: clinical testing. Allele origin: germline.
Comment: This sequence change replaces arginine, which is basic and polar, with glutamine, which is neutral and polar, at codon 1506 of the LRP4 protein (p.Arg1506Gln). This variant is present in population databases (rs142300637, gnomAD 0.01%). This variant has not been reported in the literature in individuals affected with LRP4-related conditions. ClinVar contains an entry for this variant (Variation ID: 71253). Invitae Evidence Modeling of protein sequence and biophysical properties (such as structural, functional, and spatial information, amino acid conservation, physicochemical variation, residue mobility, and thermodynamic stability) indicates that this missense variant is not expected to disrupt LRP4 protein function with a negative predictive value of 80%. In summary, the available evidence is currently insufficient to determine the role of this variant in disease. Therefore, it has been classified as a Variant of Uncertain Significance.